The following is an entry in ClinVar:

ClinVar aggregate classification (germline): Uncertain significance (1 of 4 stars; one submission).

gnomAD v4.1: 4 of 1,521,178 alleles (0.00026%); highest among the groups gnomAD compares: Non-Finnish European, 0.00035%; no homozygotes.

Submission:

Ambry Genetics
Classification: Uncertain significance. Last evaluated: 2026-03-12. Review status: criteria provided, single submitter. Criteria: Ambry Variant Classification Scheme 2023. Collection method: clinical testing. Allele origin: germline.
Comment: The p.S1451I variant (also known as c.4352G>T), located in coding exon 14 of the CDK12 gene, results from a G to T substitution at nucleotide position 4352. The serine at codon 1451 is replaced by isoleucine, an amino acid with dissimilar properties. This amino acid position is conserved. In addition, this alteration is predicted to be tolerated by in silico analysis. Based on the available evidence, the clinical significance of this variant remains unclear.

NM_016507.4(CDK12):c.4352G>T (p.Ser1451Ile)

Gene: CDK12 (cyclin dependent kinase 12; plus strand). Cytogenetic location: 17q12.
Variant type: single nucleotide variant.
Coding change: c.4352G>T on transcript NM_016507.4 (MANE Select); coding-DNA position 4352, G replaced by T.
Protein change: p.Ser1451Ile; replaces serine 1451 with isoleucine.
Molecular consequence: missense variant.
Genome position (GRCh38, 1-based): chr17:39,531,195, G>T. VCF-style: chr17-39531195-G-T. GRCh37 (hg19) VCF-style: chr17-37687448-G-T.
Other names: c.4325G>T, p.Ser1442Ile (NM_015083.4); short protein forms S1442I, S1451I.
Identifiers: ClinVar variation 4825956 (VCV004825956.1).